The following is an entry in ClinVar:

ClinVar aggregate classification (germline): Uncertain significance. Review status: criteria provided, multiple submitters, no conflicts (2 of 4 stars). 2 submissions from 2 submitters: Uncertain significance (2). Last evaluated 2026-07-23.

Conditions:
Inborn genetic diseases. Identifiers: MedGen C0950123, MeSH D030342.

Allele frequency attached by ClinVar (database versions not stated): TOPMed below 0.00001; gnomAD 0.00001; gnomAD exomes 0.00001 and 0.00002.
gnomAD v4.1: 7 of 1,613,978 alleles (0.00043%); highest among the groups gnomAD compares: Admixed American, 0.012%; no homozygotes.

Submissions (2):

Ambry Genetics
Classification: Uncertain significance for Inborn genetic diseases. Last evaluated: 2026-07-23. Review status: criteria provided, single submitter. Criteria: Ambry Variant Classification Scheme 2023. Collection method: clinical testing. Allele origin: germline.
Comment: The c.10424G>A (p.G3475D) alteration is located in exon 54 (coding exon 54) of the LRP2 gene. This alteration results from a G to A substitution at nucleotide position 10424, causing the glycine (G) at amino acid position 3475 to be replaced by an aspartic acid (D). Based on data from gnomAD, the A allele has an overall frequency of 0.002% (4/251396) total alleles studied. The highest observed frequency was 0.012% (4/34590) of Latino alleles. Based on insufficient or conflicting evidence, the clinical significance of this alteration remains unclear.

Labcorp Genetics (formerly Invitae), Labcorp
Classification: Uncertain significance. Last evaluated: 2025-12-08. Review status: criteria provided, single submitter. Criteria: Invitae Variant Classification Sherloc (09022015). Collection method: clinical testing. Allele origin: germline.
Comment: This sequence change replaces glycine, which is neutral and non-polar, with aspartic acid, which is acidic and polar, at codon 3475 of the LRP2 protein (p.Gly3475Asp). This variant is present in population databases (no rsID available, gnomAD 0.01%). This variant has not been reported in the literature in individuals affected with LRP2-related conditions. ClinVar contains an entry for this variant (Variation ID: 1397057). Invitae Evidence Modeling of protein sequence and biophysical properties (such as structural, functional, and spatial information, amino acid conservation, physicochemical variation, residue mobility, and thermodynamic stability) indicates that this missense variant is expected to disrupt LRP2 protein function with a positive predictive value of 95%. In summary, the available evidence is currently insufficient to determine the role of this variant in disease. Therefore, it has been classified as a Variant of Uncertain Significance.

NM_004525.3(LRP2):c.10424G>A (p.Gly3475Asp)

Gene: LRP2 (LDL receptor related protein 2; minus strand). Cytogenetic location: 2q31.1.
Variant type: single nucleotide variant.
Coding change: c.10424G>A on transcript NM_004525.3 (MANE Select); coding-DNA position 10424, G replaced by A.
Protein change: p.Gly3475Asp; replaces glycine 3475 with aspartic acid.
Molecular consequence: missense variant.
Genome position (GRCh38, 1-based): chr2:169,176,558, C>T on the plus strand (G>A on the coding strand, the complement: LRP2 is on the minus strand). VCF-style: chr2-169176558-C-T. GRCh37 (hg19) VCF-style: chr2-170033068-C-T.
Other names: c.10424G>A (NM_004525.2); short protein forms G3475D.
Identifiers: ClinVar variation 1397057 (VCV001397057.7), dbSNP rs1165406327, ClinGen allele CA349147977.
Genomic context (GRCh38, chr2:169,176,558, plus strand): 5'-TCTGGACACTCGCAAGTGAACCCTTTTCCTCCTGGCTTGATGAGGCAGAGATGAGAACAG[C>T]CACCATTGTTGGTACCACAGGGATTGCTCACTAGTGGAAAAGGAAGAAAATATGTGTTCA-3'
Protein context (NP_004516.2, residues 3465-3485): VSNPCGTNNG[Gly3475Asp]CSHLCLIKPG